The following is an entry in ClinVar:

ClinVar aggregate classification (germline): Uncertain significance. Review status: criteria provided, multiple submitters, no conflicts (2 of 4 stars). 2 submissions from 2 submitters: Uncertain significance (2). Last evaluated 2024-03-07.

Conditions:
Hereditary cancer-predisposing syndrome. Also called: Tumor predisposition; Hereditary Cancer Syndrome; Neoplastic Syndromes, Hereditary; Hereditary neoplastic syndrome. Identifiers: Orphanet 140162, MedGen C0027672, MeSH D009386, MONDO:0015356.
Hereditary nonpolyposis colorectal neoplasms. Identifiers: MedGen C0009405, MeSH D003123.

Allele frequency attached by ClinVar (database versions not stated): gnomAD exomes below 0.00001; ExAC 0.00001.
gnomAD v4.1: 1 of 1,611,388 alleles (0.000062%); highest among the groups gnomAD compares: South Asian, 0.0011%; no homozygotes.

Submissions (2):

Color Diagnostics, LLC DBA Color Health
Classification: Uncertain significance for Hereditary cancer-predisposing syndrome. Last evaluated: 2024-03-07. Review status: criteria provided, single submitter. Criteria: ACMG Guidelines, 2015. Collection method: clinical testing. Allele origin: germline.
Comment: This missense variant replaces glutamic acid with lysine at codon 1052 of the MSH6 protein. Computational prediction is inconclusive regarding the impact of this variant on protein structure and function (internally defined REVEL score threshold 0.5 < inconclusive < 0.7, PMID: 27666373). To our knowledge, functional studies have not been reported for this variant. This variant has not been reported in individuals affected with hereditary cancer in the literature. This variant has been identified in 1/247018 chromosomes in the general population by the Genome Aggregation Database (gnomAD). The available evidence is insufficient to determine the role of this variant in disease conclusively. Therefore, this variant is classified as a Variant of Uncertain Significance.

Labcorp Genetics (formerly Invitae), Labcorp
Classification: Uncertain significance for Hereditary nonpolyposis colorectal neoplasms. Last evaluated: 2021-12-21. Review status: criteria provided, single submitter. Criteria: Invitae Variant Classification Sherloc (09022015). Collection method: clinical testing. Allele origin: germline.
Comment: This variant is present in population databases (rs765763906, gnomAD 0.003%). In summary, the available evidence is currently insufficient to determine the role of this variant in disease. Therefore, it has been classified as a Variant of Uncertain Significance. Advanced modeling of protein sequence and biophysical properties (such as structural, functional, and spatial information, amino acid conservation, physicochemical variation, residue mobility, and thermodynamic stability) performed at Invitae indicates that this missense variant is not expected to disrupt MSH6 protein function. This variant has not been reported in the literature in individuals affected with MSH6-related conditions. This sequence change replaces glutamic acid, which is acidic and polar, with lysine, which is basic and polar, at codon 1052 of the MSH6 protein (p.Glu1052Lys).

NM_000179.3(MSH6):c.3154G>A (p.Glu1052Lys)

Gene: MSH6 (mutS homolog 6; plus strand). Cytogenetic location: 2p16.3.
Variant type: single nucleotide variant.
Coding change: c.3154G>A on transcript NM_000179.3 (MANE Select); coding-DNA position 3154, G replaced by A.
Protein change: p.Glu1052Lys; replaces glutamic acid 1052 with lysine.
Molecular consequence: missense variant.
Genome position (GRCh38, 1-based): chr2:47,801,137, G>A. VCF-style: chr2-47801137-G-A. GRCh37 (hg19) VCF-style: chr2-48028276-G-A.
Other names: c.2764G>A, p.Glu922Lys (NM_001281492.2); c.2248G>A, p.Glu750Lys (NM_001281493.2, NM_001281494.2); short protein forms E1052K, E750K, E922K.
Identifiers: ClinVar variation 1332593 (VCV001332593.11), dbSNP rs765763906, ClinGen allele CA070111.
Genomic context (GRCh38, chr2:47,801,137, plus strand): 5'-TGCATGCGGCGACTGTTCTATAACTTTGATAAAAATTACAAGGACTGGCAGTCTGCTGTA[G>A]AGTGTATCGCAGTGTTGGGTAAGACTTTGAACAAGCTTGTTCTCAGGCTTTGATAAGTAG-3'
Protein context (NP_000170.1, residues 1042-1062): KNYKDWQSAV[Glu1052Lys]CIAVLDVLLC